The following is an entry in ClinVar:

ClinVar aggregate classification (germline): Uncertain significance (1 of 4 stars; one submission).

Conditions:
Hereditary cancer-predisposing syndrome. Also called: Neoplastic Syndromes, Hereditary; Tumor predisposition; Hereditary neoplastic syndrome; Hereditary Cancer Syndrome. Identifiers: Orphanet 140162, MedGen C0027672, MeSH D009386, MONDO:0015356.
Cardiovascular phenotype. Identifiers: MedGen CN230736.

Submission:

Ambry Genetics
Classification: Uncertain significance for Cardiovascular phenotype; Hereditary cancer-predisposing syndrome. Last evaluated: 2023-08-13. Review status: criteria provided, single submitter. Criteria: Ambry Variant Classification Scheme 2023. Collection method: clinical testing. Allele origin: germline.
Comment: The p.N143T variant (also known as c.428A>C), located in coding exon 5 of the LZTR1 gene, results from an A to C substitution at nucleotide position 428. The asparagine at codon 143 is replaced by threonine, an amino acid with similar properties. This amino acid position is conserved. In addition, the in silico prediction for this alteration is inconclusive. Since supporting evidence is limited at this time, the clinical significance of this alteration remains unclear.

NM_006767.4(LZTR1):c.428A>C (p.Asn143Thr)

Gene: LZTR1 (leucine zipper like post translational regulator 1; plus strand). Cytogenetic location: 22q11.21.
Variant type: single nucleotide variant.
Coding change: c.428A>C on transcript NM_006767.4 (MANE Select); coding-DNA position 428, A replaced by C.
Protein change: p.Asn143Thr; replaces asparagine 143 with threonine.
Molecular consequence: missense variant.
Genome position (GRCh38, 1-based): chr22:20,988,037, A>C. VCF-style: chr22-20988037-A-C. GRCh37 (hg19) VCF-style: chr22-21342326-A-C.
Other names: short protein forms N143T.
Identifiers: ClinVar variation 3238287 (VCV003238287.1), dbSNP rs2518613235.